The following is an entry in ClinVar:

ClinVar aggregate classification (germline): Uncertain significance (1 of 4 stars; one submission).

Submission:

GeneDx
Classification: Uncertain significance. Last evaluated: 2013-03-19. Review status: criteria provided, single submitter. Criteria: GeneDx Variant Classification (06012015). Collection method: clinical testing. Allele origin: germline. Affected: yes.
Comment: p.Lys115Arg (AAG>AGG): c.344 A>G in exon 4 of the ACTA2 gene (NM_001613.2) The Lys115Arg variant in the ACTA2 gene has not been reported as a disease-causing mutation or as a benign polymorphism to our knowledge. Although Lys115Arg results in a conservative amino acid substitution of one positively charged residue for another, the Lys115 residue is conserved across species. Mutations affecting nearby residues (Asn117Thr, Arg118Gln) have been reported in association with TAAD, further supporting the functional importance of this region of the protein. Furthermore, the Lys115Arg variant was not observed in approximately 6,500 individuals of European and African American ancestry in the NHLBI Exome Sequencing Project, indicating it is not a common benign variant in these populations.With the clinical and molecular information available at this time, we cannot definitively determine if Lys115Arg is a disease-causing mutation or a rare benign variant. The variant is found in TAAD panel(s).

NM_001613.4(ACTA2):c.344A>G (p.Lys115Arg)

Gene: ACTA2 (actin alpha 2, smooth muscle; minus strand). Cytogenetic location: 10q23.31.
Variant type: single nucleotide variant.
Coding change: c.344A>G on transcript NM_001613.4 (MANE Select); coding-DNA position 344, A replaced by G.
Protein change: p.Lys115Arg; replaces lysine 115 with arginine.
Molecular consequence: missense variant.
Genome position (GRCh38, 1-based): chr10:88,943,822, T>C on the plus strand (A>G on the coding strand, the complement: ACTA2 is on the minus strand). VCF-style: chr10-88943822-T-C. GRCh37 (hg19) VCF-style: chr10-90703579-T-C.
Other names: p.K115R:AAG>AGG; c.344A>G, p.Lys115Arg (NM_001141945.3, NM_001320855.2, NM_001406462.1 and 3 more transcripts); c.215A>G, p.Lys72Arg (NM_001406467.1, NM_001406468.1, NM_001406469.1); short protein forms K115R, K72R.
Identifiers: ClinVar variation 199669 (VCV000199669.4), dbSNP rs794728024, ClinGen allele CA006899.
Genomic context (GRCh38, chr10:88,943,822, plus strand): 5'-CCCCACAGTGTTGTGTGCTGGGGTAGCATACTTACTTGAGTCATTTTCTCCCGGTTGGCC[T>C]TGGGGTTCAGGGGTGCCTCCGTGAGCAGGGTGGGATGCTCTTCAGGGGCAACACGAAGCT-3'
Protein context (NP_001604.1, residues 105-125): TLLTEAPLNP[Lys115Arg]ANREKMTQIM